The following is an entry in ClinVar:

ClinVar aggregate classification (germline): Uncertain significance (1 of 4 stars; one submission).

Allele frequency attached by ClinVar (database versions not stated): TOPMed below 0.00001; ExAC 0.00001; gnomAD exomes 0.00001.
gnomAD v4.1: 9 of 1,579,996 alleles (0.00057%); highest among the groups gnomAD compares: South Asian, 0.0036%; no homozygotes.

Submission:

Labcorp Genetics (formerly Invitae), Labcorp
Classification: Uncertain significance. Last evaluated: 2022-06-15. Review status: criteria provided, single submitter. Criteria: Invitae Variant Classification Sherloc (09022015). Collection method: clinical testing. Allele origin: germline.
Comment: In summary, the available evidence is currently insufficient to determine the role of this variant in disease. Therefore, it has been classified as a Variant of Uncertain Significance. Algorithms developed to predict the effect of sequence changes on RNA splicing suggest that this variant may create or strengthen a splice site. Algorithms developed to predict the effect of missense changes on protein structure and function output the following: SIFT: "Tolerated"; PolyPhen-2: "Benign"; Align-GVGD: "Class C0". The arginine amino acid residue is found in multiple mammalian species, which suggests that this missense change does not adversely affect protein function. This variant has not been reported in the literature in individuals affected with PYROXD1-related conditions. This variant is present in population databases (rs760253044, gnomAD 0.002%). This sequence change replaces histidine, which is basic and polar, with arginine, which is basic and polar, at codon 286 of the PYROXD1 protein (p.His286Arg).

NM_024854.5(PYROXD1):c.857A>G (p.His286Arg)

Gene: PYROXD1 (pyridine nucleotide-disulphide oxidoreductase domain 1; plus strand). Cytogenetic location: 12p12.1.
Variant type: single nucleotide variant.
Coding change: c.857A>G on transcript NM_024854.5 (MANE Select); coding-DNA position 857, A replaced by G.
Protein change: p.His286Arg; replaces histidine 286 with arginine.
Molecular consequence: missense variant.
Genome position (GRCh38, 1-based): chr12:21,461,131, A>G. VCF-style: chr12-21461131-A-G. GRCh37 (hg19) VCF-style: chr12-21614065-A-G.
Other names: c.644A>G, p.His215Arg (NM_001350912.2); c.80A>G, p.His27Arg (NM_001350913.2); short protein forms H27R, H286R, H215R.
Identifiers: ClinVar variation 1934345 (VCV001934345.5), dbSNP rs760253044, ClinGen allele CA6478350.
Genomic context (GRCh38, chr12:21,461,131, plus strand): 5'-TCTACCTTCAGGATGAGTTTAGAATTTTGAAGAAAAAGTCCTTCACTTTTCCAAGAGACC[A>G]TAAGTCAGTTACAGCTGATACAGGCAAGTAATGAAATAAGAAAAAATATATATAACCACT-3'
Protein context (NP_079130.2, residues 276-296): KKKSFTFPRD[His286Arg]KSVTADTEMW